The following is an entry in ClinVar:

ClinVar aggregate classification (germline): Benign. Review status: criteria provided, single submitter (1 of 4 stars). 3 submissions from 1 submitter: Benign (3). Last evaluated 2018-01-13.

Conditions:
Familial multiple trichoepitheliomata. Also called: Familial multiple trichoepithelioma. Identifiers: Orphanet 79493, Orphanet 867, MedGen C1275122, MONDO:0011114.
Familial cylindromatosis. Also called: Turban tumor syndrome; ANCELL-SPIEGLER CYLINDROMAS. Identifiers: Orphanet 211, Orphanet 79493, MedGen C1851526, MONDO:0007565, OMIM 132700.
Brooke-Spiegler syndrome. Also called: CYLD Cutaneous Syndrome. Identifiers: Orphanet 79493, MedGen C1857941, MONDO:0011512, OMIM 605041.

Allele frequency attached by ClinVar (database versions not stated): 1000 Genomes Project 0.00240; 1000 Genomes Project 30x 0.00281; TOPMed 0.00514; gnomAD 0.00599 and 0.00617; gnomAD exomes 0.00849.
gnomAD v4.1: 1,624 of 231,500 alleles (0.7%); highest among the groups gnomAD compares: Middle Eastern, 1.4%; 12 homozygotes.

Submissions (3):

Illumina Laboratory Services, Illumina
Classification: Benign for Trichoepithelioma, multiple familial, 1. Last evaluated: 2018-01-13. Review status: criteria provided, single submitter. Criteria: ICSL Variant Classification Criteria 13 December 2019. Collection method: clinical testing. Allele origin: germline.
Comment: This variant was observed in the ICSL laboratory as part of a predisposition screen in an ostensibly healthy population. It had not been previously curated by ICSL or reported in the Human Gene Mutation Database (HGMD: prior to June 1st, 2018), and was therefore a candidate for classification through an automated scoring system. Utilizing variant allele frequency, disease prevalence and penetrance estimates, and inheritance mode, an automated score was calculated to assess if this variant is too frequent to cause the disease. Based on the score and internal cut-off values, a variant classified as benign is not then subjected to further curation. The score for this variant resulted in a classification of benign for this disease.

Illumina Laboratory Services, Illumina
Classification: Benign for Brooke-Spiegler syndrome. Last evaluated: 2018-01-13. Review status: criteria provided, single submitter. Criteria: ICSL Variant Classification Criteria 13 December 2019. Collection method: clinical testing. Allele origin: germline.
Comment: the same text as in the submission from Illumina Laboratory Services, Illumina above.

Illumina Laboratory Services, Illumina
Classification: Benign for Familial cylindromatosis. Last evaluated: 2018-01-13. Review status: criteria provided, single submitter. Criteria: ICSL Variant Classification Criteria 13 December 2019. Collection method: clinical testing. Allele origin: germline.
Comment: the same text as in the submission from Illumina Laboratory Services, Illumina above.

NM_001378743.1(CYLD):c.*1831G>A

Genes: CYLD (CYLD lysine 63 deubiquitinase; plus strand), CYLD-AS2 (CYLD antisense RNA 2; minus strand). Cytogenetic location: 16q12.1.
Variant type: single nucleotide variant.
Coding change: c.*1831G>A on transcript NM_001378743.1 (MANE Select); 1831 bases downstream of the stop codon, G replaced by A.
Molecular consequence: 3 prime UTR variant. On other transcripts: non-coding transcript variant (1).
Genome position (GRCh38, 1-based): chr16:50,798,339, G>A. VCF-style: chr16-50798339-G-A. GRCh37 (hg19) VCF-style: chr16-50832250-G-A.
Other names: c.*1831G>A (NM_001042355.2, NM_001042412.3, NM_001378744.1 and 12 more transcripts).
Identifiers: ClinVar variation 319530 (VCV000319530.5), dbSNP rs181246559, ClinGen allele CA10648507.